The following is an entry in ClinVar:

ClinVar aggregate classification (germline): Likely benign. Review status: criteria provided, multiple submitters, no conflicts (2 of 4 stars). 3 submissions from 3 submitters: Likely benign (3). Last evaluated 2026-01-28.

Conditions:
Pyruvate dehydrogenase E3 deficiency (DLDD). Also called: Lipoamide dehydrogenase deficiency, lactic acidosis due to; Dihydrolipoamide Dehydrogenase Deficiency; Dihydrolipoamide Dehydrogenase (E3) Deficiency; MAPLE SYRUP URINE DISEASE, TYPE III; DLD DEFICIENCY; E3 DEFICIENCY. Identifiers: Orphanet 2394, Orphanet 765, MedGen C5574660, MONDO:0009529, OMIM 246900.

Allele frequency attached by ClinVar (database versions not stated): gnomAD 0.00007 and 0.00008; TOPMed 0.00007; ESP Exome Variant Server 0.00015.
gnomAD v4.1: 111 of 1,612,254 alleles (0.0069%); highest among the groups gnomAD compares: Middle Eastern, 0.017%; no homozygotes.

Submissions (3):

Labcorp Genetics (formerly Invitae), Labcorp
Classification: Likely benign for Pyruvate dehydrogenase E3 deficiency. Last evaluated: 2026-01-28. Review status: criteria provided, single submitter. Criteria: Invitae Variant Classification Sherloc (09022015). Collection method: clinical testing. Allele origin: germline.

Blueprint Genetics
Classification: Likely benign. Last evaluated: 2024-11-22. Review status: criteria provided, single submitter. Criteria: ACMG Guidelines, 2015. Collection method: clinical testing. Allele origin: germline.

GeneDx
Classification: Likely benign. Last evaluated: 2017-02-02. Review status: criteria provided, single submitter. Criteria: GeneDx Variant Classification (06012015). Collection method: clinical testing. Allele origin: germline. Affected: yes.
Comment: This variant is considered likely benign or benign based on one or more of the following criteria: it is a conservative change, it occurs at a poorly conserved position in the protein, it is predicted to be benign by multiple in silico algorithms, and/or has population frequency not consistent with disease.

NM_000108.5(DLD):c.119-4G>A

Gene: DLD (dihydrolipoamide dehydrogenase; plus strand). Cytogenetic location: 7q31.1.
Variant type: single nucleotide variant.
Coding change: c.119-4G>A on transcript NM_000108.5 (MANE Select); 4 bases into the intron before coding-DNA position 119, G replaced by A.
Molecular consequence: intron variant.
Genome position (GRCh38, 1-based): chr7:107,901,734, G>A. VCF-style: chr7-107901734-G-A. GRCh37 (hg19) VCF-style: chr7-107542179-G-A.
Other names: c.119-4G>A (NM_001289752.1, NM_001289751.1); c.-30-1744G>A (NM_001289750.1).
Identifiers: ClinVar variation 507084 (VCV000507084.11), dbSNP rs376605135, ClinGen allele CA4434369.
Genomic context (GRCh38, chr7:107,901,734, plus strand): 5'-AAAGAGCTCTTTTTGGTAAATATTAAGCAATTTACTATTTTATATCAATTTGCTTTTATC[G>A]TAGTTGATGCTGATGTAACAGTTATAGGTTCTGGTCCTGGAGGATATGTTGCTGCTATTA-3'